The following is an entry in ClinVar:

NM_004614.5(TK2):c.296A>G (p.Tyr99Cys)

Gene: TK2 (thymidine kinase 2; minus strand). Cytogenetic location: 16q21.
Variant type: single nucleotide variant.
Coding change: c.296A>G on transcript NM_004614.5 (MANE Select); coding-DNA position 296, A replaced by G.
Protein change: p.Tyr99Cys; replaces tyrosine 99 with cysteine.
Molecular consequence: missense variant. On other transcripts: non-coding transcript variant (1).
Genome position (GRCh38, 1-based): chr16:66,531,459, T>C on the plus strand (A>G on the coding strand, the complement: TK2 is on the minus strand). VCF-style: chr16-66531459-T-C. GRCh37 (hg19) VCF-style: chr16-66565362-T-C.
Other names: c.203A>G, p.Tyr68Cys (NM_001172643.1, NM_001271935.1); c.221A>G, p.Tyr74Cys (NM_001172644.2); c.242A>G, p.Tyr81Cys (NM_001172645.2); c.149A>G, p.Tyr50Cys (NM_001271934.2); c.5A>G, p.Tyr2Cys (NM_001272050.2); short protein forms Y2C, Y50C, Y68C, Y74C, Y81C, Y99C.
Identifiers: ClinVar variation 4686629 (VCV004686629.1).

ClinVar aggregate classification (germline): Likely pathogenic (1 of 4 stars; one submission).

Conditions:
Mitochondrial disease. Also called: Mitochondrial disorder; Mitochondrial disorders. Identifiers: Orphanet 68380, MedGen C0751651, MeSH D028361, MONDO:0044970.

gnomAD v4.1: 2 of 1,614,134 alleles (0.00012%); highest among the groups gnomAD compares: East Asian, 0.0022%; no homozygotes.

Submission:

Genomenon, Inc
Classification: Likely pathogenic for Mitochondrial disease. Last evaluated: 2025-11-24. Review status: criteria provided, single submitter. Criteria: Genomenon Sequence Variant Interpretation Standards - Updated. Collection method: curation. Allele origin: germline. Affected: yes.
Comment: TK2 p.Tyr99Cys (c.296A>G) is a missense variant that changes the amino acid at residue 99 from Tyrosine to Cysteine. This variant has been observed in a proband affected with mitochondrial disease in the compound heterozygous state, with a pathogenic/likely pathogenic variant confirmed in trans (38831166). This variant is not present at a significant frequency in gnomAD, and in silico models agree that this variant is possibly or probably damaging. In conclusion, we classify TK2 p.Tyr99Cys (c.296A>G) as a likely pathogenic variant.

Literature cited by the submitters: PubMed 38831166.